The following is an entry in ClinVar:

ClinVar aggregate classification (germline): Uncertain significance (1 of 4 stars; one submission).

Submission:

Women's Health and Genetics/Laboratory Corporation of America, LabCorp
Classification: Uncertain significance. Last evaluated: 2025-04-28. Review status: criteria provided, single submitter. Criteria: LabCorp Variant Classification Summary - May 2015. Collection method: clinical testing. Allele origin: germline.
Comment: Variant summary: APC2 c.1420A>C (p.Thr474Pro) results in a non-conservative amino acid change in the encoded protein sequence. Five of five in-silico tools predict a damaging effect of the variant on protein function. The variant was absent in 250744 control chromosomes. The available data on variant occurrences in the general population are insufficient to allow any conclusion about variant significance. To our knowledge, no occurrence of c.1420A>C in individuals affected with APC2-Related Disorders and no experimental evidence demonstrating its impact on protein function have been reported. No submitters have cited clinical-significance assessments for this variant to ClinVar. Based on the evidence outlined above, the variant was classified as uncertain significance.

NM_005883.3(APC2):c.1420A>C (p.Thr474Pro)

Gene: APC2 (APC regulator of WNT signaling pathway 2; plus strand). Cytogenetic location: 19p13.3.
Variant type: single nucleotide variant.
Coding change: c.1420A>C on transcript NM_005883.3 (MANE Select); coding-DNA position 1420, A replaced by C.
Protein change: p.Thr474Pro; replaces threonine 474 with proline.
Molecular consequence: missense variant.
Genome position (GRCh38, 1-based): chr19:1,460,297, A>C. VCF-style: chr19-1460297-A-C. GRCh37 (hg19) VCF-style: chr19-1460296-A-C.
Other names: c.1417A>C, p.Thr473Pro (NM_001351273.1); short protein forms T473P, T474P.
Identifiers: ClinVar variation 3896604 (VCV003896604.2).